The following is an entry in ClinVar:

NM_004963.4(GUCY2C):c.864del (p.Asp289fs)

Genes: GUCY2C-AS1 (GUCY2C antisense RNA 1; plus strand), GUCY2C (guanylate cyclase 2C; minus strand). Cytogenetic location: 12p12.3.
Variant type: Deletion.
Coding change: c.864del on transcript NM_004963.4 (MANE Select); coding-DNA position 864, one base deleted (T; older notation c.864delT).
Protein change: p.Asp289fs; shifts the reading frame from aspartic acid 289.
Molecular consequence: frameshift variant.
Genome position (GRCh38, 1-based): chr12:14,676,938, A deleted on the plus strand (T on the coding strand, the reverse complement: GUCY2C is on the minus strand). VCF-style (leftmost placement, unchanged base first): chr12-14676937-CA-C. GRCh37 (hg19) VCF-style: chr12-14829871-CA-C.
Other names: short protein forms D289fs.
Identifiers: ClinVar variation 1354947 (VCV001354947.6), dbSNP rs763081395, ClinGen allele CA6463627.

ClinVar aggregate classification (germline): Uncertain significance (1 of 4 stars; one submission).

Allele frequency attached by ClinVar (database versions not stated): gnomAD exomes below 0.00001 and 0.00001; TOPMed below 0.00001; ExAC 0.00001; gnomAD 0.00001.

Submission:

Labcorp Genetics (formerly Invitae), Labcorp
Classification: Uncertain significance. Last evaluated: 2022-01-27. Review status: criteria provided, single submitter. Criteria: Invitae Variant Classification Sherloc (09022015). Collection method: clinical testing. Allele origin: germline.
Comment: This sequence change creates a premature translational stop signal (p.Asp289Thrfs*3) in the GUCY2C gene. It is expected to result in an absent or disrupted protein product. However, the current clinical and genetic evidence is not sufficient to establish whether loss-of-function variants in GUCY2C cause disease. This variant is not present in population databases (gnomAD no frequency). This variant has not been reported in the literature in individuals affected with GUCY2C-related conditions. In summary, the available evidence is currently insufficient to determine the role of this variant in disease. Therefore, it has been classified as a Variant of Uncertain Significance.